The following is an entry in ClinVar:

NM_000836.4(GRIN2D):c.1859A>G (p.Lys620Arg)

Gene: GRIN2D (glutamate ionotropic receptor NMDA type subunit 2D; plus strand). Cytogenetic location: 19q13.33.
Variant type: single nucleotide variant.
Coding change: c.1859A>G on transcript NM_000836.4 (MANE Select); coding-DNA position 1859, A replaced by G.
Protein change: p.Lys620Arg; replaces lysine 620 with arginine.
Molecular consequence: missense variant.
Genome position (GRCh38, 1-based): chr19:48,419,357, A>G. VCF-style: chr19-48419357-A-G. GRCh37 (hg19) VCF-style: chr19-48922614-A-G.
Other names: short protein forms K620R.
Identifiers: ClinVar variation 4883588 (VCV004883588.2).

ClinVar aggregate classification (germline): Uncertain significance (1 of 4 stars; one submission).

Conditions:
Developmental and epileptic encephalopathy, 46 (DEE46). Also called: Epileptic encephalopathy, early infantile, 46; GRIN2D-Related Developmental and Epileptic Encephalopathy. Identifiers: MedGen C4310687, MONDO:0014947, OMIM 617162.

gnomAD v4.1: 2 of 1,600,916 alleles (0.00012%); highest among the groups gnomAD compares: Non-Finnish European, 0.00017%; no homozygotes.

Submission:

Dasa
Classification: Uncertain significance for Developmental and epileptic encephalopathy, 46. Last evaluated: 2025-06-05. Review status: criteria provided, single submitter. Criteria: DASA Assertion Criteria. Collection method: clinical testing. Allele origin: germline.
Comment: NM_000836.4(GRIN2D):c.1859A>G (p.Lys620Arg) is a missense variant that results in the substitution of lysine with arginine. This variant is rare in population databases. Computational prediction algorithms are consistent with a benign effect. The currently available literature and clinical evidence are not sufficient to establish a definitive association between this variant and the reported condition. Therefore, this variant is classified as a variant of uncertain significance.